The following is an entry in ClinVar:

ClinVar aggregate classification (germline): Uncertain significance (1 of 4 stars; one submission).

Conditions:
Hereditary cancer-predisposing syndrome. Also called: Neoplastic Syndromes, Hereditary; Tumor predisposition; Hereditary neoplastic syndrome; Hereditary Cancer Syndrome. Identifiers: Orphanet 140162, MedGen C0027672, MeSH D009386, MONDO:0015356.

Submission:

Ambry Genetics
Classification: Uncertain significance for Hereditary cancer-predisposing syndrome. Last evaluated: 2026-08-31. Review status: criteria provided, single submitter. Criteria: Ambry Variant Classification Scheme 2023. Collection method: clinical testing. Allele origin: germline.
Comment: The p.K171T variant (also known as c.512A>C), located in coding exon 4 of the BARD1 gene, results from an A to C substitution at nucleotide position 512. The lysine at codon 171 is replaced by threonine, an amino acid with similar properties. This amino acid position is conserved. In addition, this alteration is predicted to be tolerated by in silico analysis. Based on the available evidence, the clinical significance of this variant remains unclear.

NM_000465.4(BARD1):c.512A>C (p.Lys171Thr)

Gene: BARD1 (BRCA1 associated RING domain 1; minus strand). Cytogenetic location: 2q35.
Variant type: single nucleotide variant.
Coding change: c.512A>C on transcript NM_000465.4 (MANE Select); coding-DNA position 512, A replaced by C.
Protein change: p.Lys171Thr; replaces lysine 171 with threonine.
Molecular consequence: missense variant. On other transcripts: non-coding transcript variant (2), intron variant (3).
Genome position (GRCh38, 1-based): chr2:214,781,362, T>G on the plus strand (A>C on the coding strand, the complement: BARD1 is on the minus strand). VCF-style: chr2-214781362-T-G. GRCh37 (hg19) VCF-style: chr2-215646086-T-G.
Other names: c.455A>C, p.Lys152Thr (NM_001282543.2); c.158+28050A>C (NM_001282548.2); c.215+15699A>C (NM_001282545.2); c.364+10935A>C (NM_001282549.2); short protein forms K152T, K171T.
Identifiers: ClinVar variation 5032814 (VCV005032814.1).